The following is an entry in ClinVar:

NM_003159.3(CDKL5):c.2994C>T (p.Phe998=)

Genes: CDKL5 (cyclin dependent kinase like 5; plus strand), RS1 (retinoschisin 1; minus strand). Cytogenetic location: Xp22.13.
Variant type: single nucleotide variant.
Coding change: c.2994C>T on transcript NM_003159.3; coding-DNA position 2994, C replaced by T.
Protein change: p.Phe998=; no amino-acid change (phenylalanine 998 retained).
Molecular consequence: synonymous variant. On other transcripts: intron variant (1).
Genome position (GRCh38, 1-based): chrX:18,653,445, C>T. VCF-style: chrX-18653445-C-T. GRCh37 (hg19) VCF-style: chrX-18671565-C-T.
Other names: p.F998F:TTC>TTT; c.2994C>T, p.Phe998= (NM_001037343.2); c.184+3208G>A (NM_000330.4).
Identifiers: ClinVar variation 136716 (VCV000136716.23), dbSNP rs150900695, ClinGen allele CA290029.

ClinVar aggregate classification (germline): Benign/Likely benign. Review status: criteria provided, multiple submitters, no conflicts (2 of 4 stars). 8 submissions from 8 submitters: Benign (7); Likely benign (1). Last evaluated 2026-02-03.

Conditions:
History of neurodevelopmental disorder. Identifiers: MedGen C2711754.
Angelman syndrome-like. Identifiers: MedGen CN128785.
Developmental and epileptic encephalopathy, 2 (DEE2). Also called: CDKL5 deficiency disorder; INFANTILE SPASM SYNDROME, X-LINKED 2. Identifiers: Orphanet 1934, Orphanet 3451, Orphanet 505652, MedGen C4750718, MONDO:0010396, OMIM 300672.

Allele frequency attached by ClinVar (database versions not stated): ExAC 0.00083; 1000 Genomes Project 30x 0.00208; gnomAD 0.00231 and 0.00225; TOPMed 0.00245; ESP Exome Variant Server 0.00256; gnomAD exomes 0.00058 and 0.00022; 1000 Genomes Project 0.00238.
gnomAD v4.1: 520 of 1,209,395 alleles (0.043%); highest among the groups gnomAD compares: African/African-American, 0.75%; 3 homozygotes.

Submissions (8):

Labcorp Genetics (formerly Invitae), Labcorp
Classification: Benign for Developmental and epileptic encephalopathy, 2; Angelman syndrome-like. Last evaluated: 2026-02-03. Review status: criteria provided, single submitter. Criteria: Invitae Variant Classification Sherloc (09022015). Collection method: clinical testing. Allele origin: germline.

Blueprint Genetics
Classification: Likely benign. Last evaluated: 2024-08-28. Review status: criteria provided, single submitter. Criteria: ACMG Guidelines, 2015. Collection method: clinical testing. Allele origin: germline.

ARUP Laboratories, Molecular Genetics and Genomics, ARUP Laboratories
Classification: Benign for Developmental and epileptic encephalopathy, 2. Last evaluated: 2023-12-22. Review status: criteria provided, single submitter. Criteria: ARUP Molecular Germline Variant Investigation Process 2024. Collection method: clinical testing. Allele origin: germline.

Athena Diagnostics
Classification: Benign. Last evaluated: 2018-05-23. Review status: criteria provided, single submitter. Criteria: Athena Diagnostics Criteria. Collection method: clinical testing. Allele origin: germline.

Eurofins Ntd Llc (ga)
Classification: Benign. Last evaluated: 2017-10-05. Review status: criteria provided, single submitter. Criteria: EGL Classification Definitions 2015. Collection method: clinical testing. Allele origin: germline. Observed: 1 variant allele, 1 heterozygote.

Ambry Genetics
Classification: Benign for History of neurodevelopmental disorder. Last evaluated: 2016-12-16. Review status: criteria provided, single submitter. Criteria: Ambry Autosomal Dominant and X-Linked criteria (10/2015). Collection method: clinical testing. Allele origin: germline. Observed: 1 variant allele.
Comment: General population or subpopulation frequency is too high to be a pathogenic mutation based on disease/syndrome prevalence and penetrance

GeneDx
Classification: Benign. Last evaluated: 2013-09-30. Review status: criteria provided, single submitter. Criteria: GeneDx Variant Classification (06012015). Collection method: clinical testing. Allele origin: germline. Affected: yes.
Comment: This variant is considered likely benign or benign based on one or more of the following criteria: it is a conservative change, it occurs at a poorly conserved position in the protein, it is predicted to be benign by multiple in silico algorithms, and/or has population frequency not consistent with disease.

Breakthrough Genomics
Classification: Benign. Review status: criteria provided, single submitter. Criteria: ACMG Guidelines, 2015. Collection method: not provided. Allele origin: germline. Inheritance: X-linked inheritance. Affected: yes.